The following is an entry in ClinVar:

NM_003664.5(AP3B1):c.1619dup (p.Ala541fs)

Gene: AP3B1 (adaptor related protein complex 3 subunit beta 1; minus strand). Cytogenetic location: 5q14.1.
Variant type: Duplication.
Coding change: c.1619dup on transcript NM_003664.5 (MANE Select); coding-DNA position 1619, one base duplicated (G; older notation c.1619dupG).
Protein change: p.Ala541fs; shifts the reading frame from alanine 541.
Molecular consequence: frameshift variant.
Genome position (GRCh38, 1-based): chr5:78,141,174, C duplicated on the plus strand (G on the coding strand, the reverse complement: AP3B1 is on the minus strand); the first of 3 consecutive C bases (chr5:78,141,174-78,141,176); duplicating any one gives the same sequence. VCF-style (leftmost placement, unchanged base first): chr5-78141173-T-TC. GRCh37 (hg19) VCF-style: chr5-77436997-T-TC.
Other names: c.1472dup, p.Ala492fs (NM_001271769.2); short protein forms A492fs, A541fs.
Identifiers: ClinVar variation 1071422 (VCV001071422.10), dbSNP rs1753129765, ClinGen allele CA913187297.
Genomic context (GRCh38, chr5:78,141,173, plus strand): 5'-TAGATAGGTTGACTAACATTTGCCTCTCACCTGTTTGGAGTTGGTTAAATACAATTTTGC[T>TC]CCCAGATTTAATATCTGCAGTTTTACCAGATCATCTTCACTAGTGAAGCTTTTAGCCATC-3'

ClinVar aggregate classification (germline): Pathogenic. Review status: criteria provided, single submitter (1 of 4 stars). 2 submissions from 2 submitters: Pathogenic (1). 1 of the submissions does not count toward it. Last evaluated 2025-10-01.

Conditions:
Hermansky-Pudlak syndrome 2 (HPS2). Also called: Platelet defects and oculocutaneous albinism. Identifiers: Orphanet 183678, Orphanet 79430, MedGen C1842362, MONDO:0011997, OMIM 608233.

Submissions (2):

Labcorp Genetics (formerly Invitae), Labcorp
Classification: Pathogenic for Hermansky-Pudlak syndrome 2. Last evaluated: 2025-10-01. Review status: criteria provided, single submitter. Criteria: Invitae Variant Classification Sherloc (09022015). Collection method: clinical testing. Allele origin: germline.
Comment: This sequence change creates a premature translational stop signal (p.Ala541Serfs*25) in the AP3B1 gene. It is expected to result in an absent or disrupted protein product. Loss-of-function variants in AP3B1 are known to be pathogenic (PMID: 16507770, 23403622). This variant is not present in population databases (gnomAD no frequency). This premature translational stop signal has been observed in individual(s) with Hermansky-Pudlak syndrome (PMID: 14566336). ClinVar contains an entry for this variant (Variation ID: 1071422). For these reasons, this variant has been classified as Pathogenic.

OMIM
Classification: Pathogenic for HERMANSKY-PUDLAK SYNDROME 2. Last evaluated: 2003-11-01. Review status: no assertion criteria provided. Collection method: literature only. Allele origin: germline. Not counted in ClinVar's aggregate classification.

Literature cited by the submitters: PubMed 16507770 (cited by Labcorp Genetics (formerly Invitae), Labcorp); PubMed 23403622 (cited by Labcorp Genetics (formerly Invitae), Labcorp); PubMed 14566336 (cited by Labcorp Genetics (formerly Invitae), Labcorp and OMIM).